The following is an entry in ClinVar:

ClinVar aggregate classification (germline): Uncertain significance (1 of 4 stars; one submission).

Allele frequency attached by ClinVar (database versions not stated): gnomAD exomes below 0.00001.
gnomAD v4.1: 1 of 1,613,962 alleles (0.000062%); highest among the groups gnomAD compares: African/African-American, 0.0013%; no homozygotes.

Submission:

Labcorp Genetics (formerly Invitae), Labcorp
Classification: Uncertain significance. Last evaluated: 2021-02-26. Review status: criteria provided, single submitter. Criteria: Invitae Variant Classification Sherloc (09022015). Collection method: clinical testing. Allele origin: germline.
Comment: This sequence change replaces valine with alanine at codon 26 of the VCAN protein (p.Val26Ala). The valine residue is moderately conserved and there is a small physicochemical difference between valine and alanine. This variant is not present in population databases (ExAC no frequency). This variant has not been reported in the literature in individuals with VCAN-related conditions. Algorithms developed to predict the effect of missense changes on protein structure and function output the following: SIFT: "Deleterious"; PolyPhen-2: "Benign"; Align-GVGD: "Class C0". The alanine amino acid residue is found in multiple mammalian species, suggesting that this missense change does not adversely affect protein function. These predictions have not been confirmed by published functional studies and their clinical significance is uncertain. In summary, the available evidence is currently insufficient to determine the role of this variant in disease. Therefore, it has been classified as a Variant of Uncertain Significance.

NM_004385.5(VCAN):c.77T>C (p.Val26Ala)

Gene: VCAN (versican; plus strand). Cytogenetic location: 5q14.2.
Variant type: single nucleotide variant.
Coding change: c.77T>C on transcript NM_004385.5 (MANE Select); coding-DNA position 77, T replaced by C.
Protein change: p.Val26Ala; replaces valine 26 with alanine.
Molecular consequence: missense variant.
Genome position (GRCh38, 1-based): chr5:83,490,104, T>C. VCF-style: chr5-83490104-T-C. GRCh37 (hg19) VCF-style: chr5-82785923-T-C.
Other names: c.77T>C, p.Val26Ala (NM_001126336.3, NM_001164097.2, NM_001164098.2); short protein forms V26A.
Identifiers: ClinVar variation 1499423 (VCV001499423.8), dbSNP rs2112352970, ClinGen allele CA360294736.